The following is an entry in ClinVar:

NM_177438.3(DICER1):c.3807A>T (p.Gln1269His)

Gene: DICER1 (dicer 1, ribonuclease III; minus strand). Cytogenetic location: 14q32.13.
Variant type: single nucleotide variant.
Coding change: c.3807A>T on transcript NM_177438.3 (MANE Select); coding-DNA position 3807, A replaced by T.
Protein change: p.Gln1269His; replaces glutamine 1269 with histidine.
Molecular consequence: missense variant. On other transcripts: non-coding transcript variant (6).
Genome position (GRCh38, 1-based): chr14:95,103,589, T>A on the plus strand (A>T on the coding strand, the complement: DICER1 is on the minus strand). VCF-style: chr14-95103589-T-A. GRCh37 (hg19) VCF-style: chr14-95569926-T-A.
Other names: c.3807A>T, p.Gln1269His (NM_001195573.1, NM_001271282.3, NM_001291628.2 and 13 more transcripts); c.3525A>T, p.Gln1175His (NM_001395686.1); c.3402A>T, p.Gln1134His (NM_001395687.1, NM_001395688.1, NM_001395689.1 and 2 more transcripts); c.3240A>T, p.Gln1080His (NM_001395691.1); c.2124A>T, p.Gln708His (NM_001395697.1); short protein forms Q1269H, Q1080H, Q1134H, Q1175H, Q708H.
Identifiers: ClinVar variation 1735110 (VCV001735110.2), dbSNP rs1436092624, ClinGen allele CA390873405.
Genomic context (GRCh38, chr14:95,103,589, plus strand): 5'-AGTCCTTGAGGAGTACCCAATAGAAGGGCTCTGCTCAGAATCCATCCTGCCCTTGAGCAC[T>A]TGAATAGTGTCTGTCGTACCAGGCATTACGGCCATCACAGGACTTCCATCTGAGGTAGAT-3'
Protein context (NP_803187.1, residues 1259-1279): AVMPGTTDTI[Gln1269His]VLKGRMDSEQ

ClinVar aggregate classification (germline): Uncertain significance (1 of 4 stars; one submission).

Conditions:
Hereditary cancer-predisposing syndrome. Also called: Neoplastic Syndromes, Hereditary; Tumor predisposition; Hereditary Cancer Syndrome; Hereditary neoplastic syndrome. Identifiers: Orphanet 140162, MedGen C0027672, MeSH D009386, MONDO:0015356.

gnomAD v4.1: 1 of 1,614,194 alleles (0.000062%); highest among the groups gnomAD compares: Non-Finnish European, 0.000085%; no homozygotes.

Submission:

Ambry Genetics
Classification: Uncertain significance for Hereditary cancer-predisposing syndrome. Last evaluated: 2020-08-20. Review status: criteria provided, single submitter. Criteria: Ambry Variant Classification Scheme 2023. Collection method: clinical testing. Allele origin: germline.
Comment: The p.Q1269H variant (also known as c.3807A>T), located in coding exon 20 of the DICER1 gene, results from an A to T substitution at nucleotide position 3807. The glutamine at codon 1269 is replaced by histidine, an amino acid with highly similar properties. This amino acid position is poorly conserved in available vertebrate species. In addition, this alteration is predicted to be tolerated by in silico analysis. Since supporting evidence is limited at this time, the clinical significance of this alteration remains unclear.